The following is an entry in ClinVar:

ClinVar aggregate classification (germline): Benign. Review status: criteria provided, multiple submitters, no conflicts (2 of 4 stars). 6 submissions from 6 submitters: Benign (6). Last evaluated 2026-02-04.

Conditions:
T-B+ severe combined immunodeficiency due to JAK3 deficiency. Also called: SCID, T CELL-NEGATIVE, B CELL-POSITIVE, NK CELL-NEGATIVE; SCID, autosomal recessive, T-negative/B-positive type. Identifiers: Orphanet 35078, MedGen C1833275, MONDO:0010938, OMIM 600802.

Allele frequency attached by ClinVar (database versions not stated): 1000 Genomes Project 0.11382; 1000 Genomes Project 30x 0.11618; ESP Exome Variant Server 0.11899; TOPMed 0.14486; ExAC 0.16158.

Submissions (6):

Labcorp Genetics (formerly Invitae), Labcorp
Classification: Benign for T-B+ severe combined immunodeficiency due to JAK3 deficiency. Last evaluated: 2026-02-04. Review status: criteria provided, single submitter. Criteria: Invitae Variant Classification Sherloc (09022015). Collection method: clinical testing. Allele origin: germline.

Unidad de Genómica Garrahan, Hospital de Pediatría Garrahan
Classification: Benign. Last evaluated: 2024-01-24. Review status: criteria provided, single submitter. Criteria: ACMG Guidelines, 2015. Collection method: clinical testing. Allele origin: germline. Affected: no. Observed: 38 variant alleles.
Comment: This variant is classified as Benign based on local population frequency. This variant was detected in 43% of patients studied by a panel of primary immunodeficiencies. Number of patients: 38. Only high quality variants are reported.

Illumina Laboratory Services, Illumina
Classification: Benign for T-B+ severe combined immunodeficiency due to JAK3 deficiency. Last evaluated: 2018-01-13. Review status: criteria provided, single submitter. Criteria: ICSL Variant Classification Criteria 13 December 2019. Collection method: clinical testing. Allele origin: germline.
Comment: This variant was observed in the ICSL laboratory as part of a predisposition screen in an ostensibly healthy population. It had not been previously curated by ICSL or reported in the Human Gene Mutation Database (HGMD: prior to June 1st, 2018), and was therefore a candidate for classification through an automated scoring system. Utilizing variant allele frequency, disease prevalence and penetrance estimates, and inheritance mode, an automated score was calculated to assess if this variant is too frequent to cause the disease. Based on the score and internal cut-off values, a variant classified as benign is not then subjected to further curation. The score for this variant resulted in a classification of benign for this disease.

Women's Health and Genetics/Laboratory Corporation of America, LabCorp
Classification: Benign. Last evaluated: 2017-11-22. Review status: criteria provided, single submitter. Criteria: LabCorp Variant Classification Summary - May 2015. Collection method: clinical testing. Allele origin: germline.
Comment: Variant summary: The JAK3 c.1142+13C>A variant involves the alteration of a non-conserved nucleotide. One in silico tool predicts a benign outcome for this variant. 5/5 splice prediction tools predict no significant impact on normal splicing. ESE finder predicts that this variant may affect ESE site of SC35 and SF2/ASF, however, these predictions have yet to be confirmed by functional studies. This variant was found in 28270/175038 control chromosomes (2599 homozygotes) at a frequency of 0.1615078, which is approximately 150 times the estimated maximal expected allele frequency of a pathogenic JAK3 variant (0.0010801), suggesting this variant is likely a benign polymorphism. This variant has also been reported via publications as a polymorphism (Schumacher 2000, Notarangelo 2001). In addition, multiple clinical diagnostic laboratories classified this variant as benign. Taken together, this variant is classified as benign.

GeneDx
Classification: Benign. Last evaluated: 2013-06-06. Review status: criteria provided, single submitter. Criteria: GeneDx Variant Classification (06012015). Collection method: clinical testing. Allele origin: germline. Affected: yes.
Comment: This variant is considered likely benign or benign based on one or more of the following criteria: it is a conservative change, it occurs at a poorly conserved position in the protein, it is predicted to be benign by multiple in silico algorithms, and/or has population frequency not consistent with disease.

Breakthrough Genomics
Classification: Benign. Review status: criteria provided, single submitter. Criteria: ACMG Guidelines, 2015. Collection method: not provided. Allele origin: germline. Inheritance: Autosomal recessive inheritance. Affected: yes.

Literature cited by the submitters: PubMed 10982185 (cited by Women's Health and Genetics/Laboratory Corporation of America, LabCorp); PubMed 11668610 (cited by Women's Health and Genetics/Laboratory Corporation of America, LabCorp).

NM_000215.4(JAK3):c.1142+13C>A

Gene: JAK3 (Janus kinase 3; minus strand). Cytogenetic location: 19p13.11.
Variant type: single nucleotide variant.
Coding change: c.1142+13C>A on transcript NM_000215.4 (MANE Select); 13 bases into the intron after coding-DNA position 1142, C replaced by A.
Molecular consequence: intron variant.
Genome position (GRCh38, 1-based): chr19:17,841,376, G>T on the plus strand (C>A on the coding strand, the complement: JAK3 is on the minus strand). VCF-style: chr19-17841376-G-T. GRCh37 (hg19) VCF-style: chr19-17952185-G-T.
Identifiers: ClinVar variation 137601 (VCV000137601.17), dbSNP rs3212733, ClinGen allele CA291264.